The following is an entry in ClinVar:

NM_001281775.3(ZMYND8):c.935C>T (p.Pro312Leu)

Gene: ZMYND8 (zinc finger MYND-type containing 8; minus strand). Cytogenetic location: 20q13.12.
Variant type: single nucleotide variant.
Coding change: c.935C>T on transcript NM_001281775.3 (MANE Select); coding-DNA position 935, C replaced by T.
Protein change: p.Pro312Leu; replaces proline 312 with leucine.
Molecular consequence: missense variant.
Genome position (GRCh38, 1-based): chr20:47,282,165, G>A on the plus strand (C>T on the coding strand, the complement: ZMYND8 is on the minus strand). VCF-style: chr20-47282165-G-A. GRCh37 (hg19) VCF-style: chr20-45910909-G-A.
Other names: c.860C>T, p.Pro287Leu (NM_001281771.3, NM_001281777.3, NM_001281778.3 and 4 more transcripts); c.875C>T, p.Pro292Leu (NM_001281772.3, NM_001281773.3, NM_001281774.3 and 1 more transcripts); c.935C>T, p.Pro312Leu (NM_001281776.3, NM_001281783.3, NM_012408.6 and 1 more transcripts); c.131C>T, p.Pro44Leu (NM_001281779.3, NM_001281780.3); c.956C>T, p.Pro319Leu (NM_001363714.1); short protein forms P287L, P292L, P312L, P319L, P44L.
Identifiers: ClinVar variation 4530890 (VCV004530890.1).
Genomic context (GRCh38, chr20:47,282,165, plus strand): 5'-TCATGTTGTCCAAAGAATCGGGCATCGACCTGCCCGTCTTTATCCCTTAGAGCTTTTGCA[G>A]GCCAGAATGGAAACCCCTTCAGTTTGGCCCAGACCAAAGGATGTGGATTGCTCTAGGAAA-3'
Protein context (NP_001268704.1, residues 302-322): WAKLKGFPFW[Pro312Leu]AKALRDKDGQ

ClinVar aggregate classification (germline): Uncertain significance (1 of 4 stars; one submission).

Submission:

GeneDx
Classification: Uncertain significance. Last evaluated: 2025-05-20. Review status: criteria provided, single submitter. Criteria: GeneDx Variant Classification Process June 2021. Collection method: clinical testing. Allele origin: germline. Affected: yes.
Comment: Not observed at significant frequency in large population cohorts (gnomAD); In silico analysis supports that this missense variant has a deleterious effect on protein structure/function; Has not been previously published as pathogenic or benign to our knowledge